The following is an entry in ClinVar:

ClinVar aggregate classification (germline): Uncertain significance (1 of 4 stars; one submission).

Conditions:
Koolen-de Vries syndrome (KDVS). Identifiers: Orphanet 96169, MedGen C1864871, MONDO:0012496, OMIM 610443.

Submission:

Labcorp Genetics (formerly Invitae), Labcorp
Classification: Uncertain significance for Koolen-de Vries syndrome. Last evaluated: 2022-10-19. Review status: criteria provided, single submitter. Criteria: Invitae Variant Classification Sherloc (09022015). Collection method: clinical testing. Allele origin: germline.
Comment: Algorithms developed to predict the effect of missense changes on protein structure and function (SIFT, PolyPhen-2, Align-GVGD) all suggest that this variant is likely to be tolerated. This variant has not been reported in the literature in individuals affected with KANSL1-related conditions. This variant is not present in population databases (gnomAD no frequency). This sequence change replaces valine, which is neutral and non-polar, with isoleucine, which is neutral and non-polar, at codon 871 of the KANSL1 protein (p.Val871Ile). In summary, the available evidence is currently insufficient to determine the role of this variant in disease. Therefore, it has been classified as a Variant of Uncertain Significance.

NM_015443.4(KANSL1):c.2611G>A (p.Val871Ile)

Gene: KANSL1 (KAT8 regulatory NSL complex subunit 1). Cytogenetic location: 17q21.31.
Variant type: single nucleotide variant.
Coding change: c.2611G>A on transcript NM_015443.4 (MANE Select); coding-DNA position 2611, G replaced by A.
Protein change: p.Val871Ile; replaces valine 871 with isoleucine.
Molecular consequence: missense variant.
Genome position (GRCh38, 1-based): chr17:46,034,216, C>T on the plus strand (G>A on the coding strand, the complement: KANSL1 is on the minus strand). VCF-style: chr17-46034216-C-T. GRCh37 (hg19) VCF-style: chr17-44111582-C-T.
Other names: c.2608G>A, p.Val870Ile (NM_001193465.2, NM_001405856.1, NM_001405857.1 and 1 more transcripts); c.2611G>A, p.Val871Ile (NM_001193466.2, NM_001379198.1, NM_001405854.1 and 4 more transcripts); c.2509G>A, p.Val837Ile (NM_001405859.1, NM_001405860.1); c.2506G>A, p.Val836Ile (NM_001405861.1, NM_001405881.1); c.2422G>A, p.Val808Ile (NM_001405875.1, NM_001405876.1, NM_001405877.1 and 1 more transcripts); c.2419G>A, p.Val807Ile (NM_001405879.1, NM_001405880.1); c.1345G>A, p.Val449Ile (NM_001405882.1); c.1342G>A, p.Val448Ile (NM_001405883.1); and 2 more; short protein forms V385I, V386I, V448I, V449I, V807I, V808I, V836I, V837I.
Identifiers: ClinVar variation 1719281 (VCV001719281.5), dbSNP rs2510406424, ClinGen allele CA399989277.